The following is an entry in ClinVar:

ClinVar aggregate classification (germline): Uncertain significance (1 of 4 stars; one submission).

Submission:

GeneDx
Classification: Uncertain significance. Last evaluated: 2024-04-08. Review status: criteria provided, single submitter. Criteria: GeneDx Variant Classification Process June 2021. Collection method: clinical testing. Allele origin: germline. Affected: yes.
Comment: Not observed at significant frequency in large population cohorts (gnomAD); Missense variants in this gene are a common cause of disease and they are underrepresented in the general population; In silico analysis indicates that this missense variant does not alter protein structure/function; Has not been previously published as pathogenic or benign to our knowledge; This variant is associated with the following publications: (PMID: 27010057)

NM_178012.5(TUBB2B):c.763G>A (p.Val255Met)

Gene: TUBB2B (tubulin beta 2B class IIb; minus strand). Cytogenetic location: 6p25.2.
Variant type: single nucleotide variant.
Coding change: c.763G>A on transcript NM_178012.5 (MANE Select); coding-DNA position 763, G replaced by A.
Protein change: p.Val255Met; replaces valine 255 with methionine.
Molecular consequence: missense variant.
Genome position (GRCh38, 1-based): chr6:3,225,326, C>T on the plus strand (G>A on the coding strand, the complement: TUBB2B is on the minus strand). VCF-style: chr6-3225326-C-T. GRCh37 (hg19) VCF-style: chr6-3225560-C-T.
Other names: short protein forms V255M.
Identifiers: ClinVar variation 3371907 (VCV003371907.1).